The following is an entry in ClinVar:

ClinVar aggregate classification (germline): Uncertain significance (1 of 4 stars; one submission).

Allele frequency attached by ClinVar (database versions not stated): gnomAD exomes 0.00002; TOPMed below 0.00001; ExAC 0.00002.

Submission:

GeneDx
Classification: Uncertain significance. Last evaluated: 2019-11-07. Review status: criteria provided, single submitter. Criteria: GeneDx Variant Classification Process June 2021. Collection method: clinical testing. Allele origin: germline. Affected: yes.
Comment: Identified in the heterozygous state in a patient with early onset Parkinson disease in published literature; however, a second PINK1 variant was not identified (Youn et al., 2018); A different missense change at this residue (M342V) has been reported in the Human Gene Mutation Database (Stenson et al., 2014); In silico analysis, which includes protein predictors and evolutionary conservation, supports that this variant does not alter protein structure/function; This variant is associated with the following publications: (PMID: 30502028)

NM_032409.3(PINK1):c.1024A>C (p.Met342Leu)

Genes: PINK1 (PTEN induced kinase 1; plus strand), PINK1-AS (PINK1 antisense RNA; minus strand). Cytogenetic location: 1p36.12.
Variant type: single nucleotide variant.
Coding change: c.1024A>C on transcript NM_032409.3 (MANE Select); coding-DNA position 1024, A replaced by C.
Protein change: p.Met342Leu; replaces methionine 342 with leucine.
Molecular consequence: missense variant. On other transcripts: non-coding transcript variant (1).
Genome position (GRCh38, 1-based): chr1:20,645,624, A>C. VCF-style: chr1-20645624-A-C. GRCh37 (hg19) VCF-style: chr1-20972117-A-C.
Other names: short protein forms M342L.
Identifiers: ClinVar variation 1310405 (VCV001310405.2), dbSNP rs753186891, ClinGen allele CA660673.